The following is an entry in ClinVar:

NC_000002.11:g.(?_48023013)_(48033810_?)del

Gene: MSH6 (mutS homolog 6; plus strand). Cytogenetic location: 2p16.3.
Variant type: Deletion.
Identifiers: ClinVar variation 3247075 (VCV003247075.1).

ClinVar aggregate classification (germline): Pathogenic (1 of 4 stars; one submission).

Conditions:
Hereditary nonpolyposis colorectal neoplasms. Identifiers: MedGen C0009405, MeSH D003123.

Submission:

Labcorp Genetics (formerly Invitae), Labcorp
Classification: Pathogenic for Hereditary nonpolyposis colorectal neoplasms. Last evaluated: 2024-01-19. Review status: criteria provided, single submitter. Criteria: Invitae Variant Classification Sherloc (09022015). Collection method: clinical testing. Allele origin: unknown.
Comment: This variant is a gross deletion of the genomic region encompassing exon(s) 3-9 of the MSH6 gene. This deletion is out-of-frame, and is expected to create a premature termination codon and result in an absent or disrupted protein product. Loss-of-function variants in MSH6 are known to be pathogenic (PMID: 18269114, 24362816). This variant has not been reported in the literature in individuals affected with MSH6-related conditions. For these reasons, this variant has been classified as Pathogenic.

Literature cited by the submitters: PubMed 18269114; PubMed 24362816.